The following is an entry in ClinVar:

ClinVar aggregate classification (germline): Uncertain significance. Review status: criteria provided, multiple submitters, no conflicts (2 of 4 stars). 3 submissions from 3 submitters: Uncertain significance (3). Last evaluated 2025-10-02.

Conditions:
Inborn genetic diseases. Identifiers: MedGen C0950123, MeSH D030342.
Combined immunodeficiency due to DOCK8 deficiency (HIES2). Also called: HYPER-IgE RECURRENT INFECTION SYNDROME 2, AUTOSOMAL RECESSIVE; HIES autosomal recessive; HYPER-IgE SYNDROME 2, AUTOSOMAL RECESSIVE, WITH RECURRENT INFECTIONS; Hyper-IgE recurrent infection syndrome, autosomal recessive; DOCK8 Deficiency. Identifiers: Orphanet 217390, MedGen C4722305, MONDO:0009478, OMIM 243700.

Allele frequency attached by ClinVar (database versions not stated): ExAC 0.00001; gnomAD 0.00002; TOPMed 0.00002; ESP Exome Variant Server 0.00015; 1000 Genomes Project 30x 0.00016; 1000 Genomes Project 0.00020.
gnomAD v4.1: 23 of 1,614,068 alleles (0.0014%); highest among the groups gnomAD compares: African/African-American, 0.0053%; no homozygotes.

Submissions (3):

Ambry Genetics
Classification: Uncertain significance for Inborn genetic diseases. Last evaluated: 2025-10-02. Review status: criteria provided, single submitter. Criteria: Ambry Variant Classification Scheme 2023. Collection method: clinical testing. Allele origin: germline.

Labcorp Genetics (formerly Invitae), Labcorp
Classification: Uncertain significance for Combined immunodeficiency due to DOCK8 deficiency. Last evaluated: 2023-09-01. Review status: criteria provided, single submitter. Criteria: Invitae Variant Classification Sherloc (09022015). Collection method: clinical testing. Allele origin: germline.
Comment: In summary, the available evidence is currently insufficient to determine the role of this variant in disease. Therefore, it has been classified as a Variant of Uncertain Significance. Advanced modeling of protein sequence and biophysical properties (such as structural, functional, and spatial information, amino acid conservation, physicochemical variation, residue mobility, and thermodynamic stability) performed at Invitae indicates that this missense variant is not expected to disrupt DOCK8 protein function. ClinVar contains an entry for this variant (Variation ID: 1991909). This variant has not been reported in the literature in individuals affected with DOCK8-related conditions. This variant is present in population databases (rs143696910, gnomAD 0.007%). This sequence change replaces isoleucine, which is neutral and non-polar, with valine, which is neutral and non-polar, at codon 343 of the DOCK8 protein (p.Ile343Val).

Blueprint Genetics
Classification: Uncertain significance. Last evaluated: 2018-10-09. Review status: criteria provided, single submitter. Criteria: ACMG Guidelines, 2015. Collection method: clinical testing. Allele origin: germline.

NM_203447.4(DOCK8):c.1027A>G (p.Ile343Val)

Gene: DOCK8 (dedicator of cytokinesis 8; plus strand). Cytogenetic location: 9p24.3.
Variant type: single nucleotide variant.
Coding change: c.1027A>G on transcript NM_203447.4 (MANE Select); coding-DNA position 1027, A replaced by G.
Protein change: p.Ile343Val; replaces isoleucine 343 with valine.
Molecular consequence: missense variant.
Genome position (GRCh38, 1-based): chr9:328,154, A>G. VCF-style: chr9-328154-A-G. GRCh37 (hg19) VCF-style: chr9-328154-A-G.
Other names: c.823A>G, p.Ile275Val (NM_001190458.2, NM_001193536.2); short protein forms I275V, I343V.
Identifiers: ClinVar variation 1991909 (VCV001991909.7), dbSNP rs143696910, ClinGen allele CA4957564.